The following is an entry in ClinVar:

ClinVar aggregate classification (germline): Uncertain significance (1 of 4 stars; one submission).

Submission:

GeneDx
Classification: Uncertain significance. Last evaluated: 2024-12-17. Review status: criteria provided, single submitter. Criteria: GeneDx Variant Classification Process June 2021. Collection method: clinical testing. Allele origin: germline. Affected: yes.
Comment: Not observed at significant frequency in large population cohorts (gnomAD); In silico analysis supports that this missense variant has a deleterious effect on protein structure/function; Has not been previously published as pathogenic or benign to our knowledge

NM_015057.5(MYCBP2):c.11069A>G (p.His3690Arg)

Genes: MYCBP2 (MYC binding protein 2; minus strand), MYCBP2-AS1 (MYCBP2 antisense RNA 1; plus strand). Cytogenetic location: 13q22.3.
Variant type: single nucleotide variant.
Coding change: c.11069A>G on transcript NM_015057.5 (MANE Select); coding-DNA position 11069, A replaced by G.
Protein change: p.His3690Arg; replaces histidine 3690 with arginine.
Molecular consequence: missense variant.
Genome position (GRCh38, 1-based): chr13:77,081,961, T>C on the plus strand (A>G on the coding strand, the complement: MYCBP2 is on the minus strand). VCF-style: chr13-77081961-T-C. GRCh37 (hg19) VCF-style: chr13-77656096-T-C.
Other names: short protein forms H3690R.
Identifiers: ClinVar variation 3906819 (VCV003906819.1).